The following is an entry in ClinVar:

NM_000237.3(LPL):c.88C>T (p.Gln30Ter)

Gene: LPL (lipoprotein lipase; plus strand). Cytogenetic location: 8p21.3.
Variant type: single nucleotide variant.
Coding change: c.88C>T on transcript NM_000237.3 (MANE Select); coding-DNA position 88, C replaced by T.
Protein change: p.Gln30Ter; replaces glutamine 30 with a stop codon.
Molecular consequence: nonsense.
Genome position (GRCh38, 1-based): chr8:19,939,528, C>T. VCF-style: chr8-19939528-C-T. GRCh37 (hg19) VCF-style: chr8-19797039-C-T.
Other names: short protein forms Q30*.
Identifiers: ClinVar variation 4070161 (VCV004070161.2).

ClinVar aggregate classification (germline): Pathogenic (1 of 4 stars; one submission).

Conditions:
Hyperlipoproteinemia, type I. Also called: Hyperlipoproteinemia type 1; Hyperchylomicro-nemia familial; Familial chylomicronemia; Hyperlipemia idiopathic Burger-Grutz type; Familial hyperlipo-proteinemia type 1; Hyperlipemia essential familial. Identifiers: Orphanet 309015, Orphanet 444490, MedGen C0023817, MONDO:0009387, OMIM 238600. Disease mechanism: loss of function.

gnomAD v4.1: 1 of 1,606,972 alleles (0.000062%); highest among the groups gnomAD compares: Non-Finnish European, 0.000085%; no homozygotes.

Submission:

Natera, Inc.
Classification: Pathogenic for Lipoprotein lipase deficiency. Last evaluated: 2025-05-21. Review status: criteria provided, single submitter. Criteria: Natera Variant Classification Schema (03/2026). Collection method: clinical testing. Allele origin: germline.
Comment: The c.88C>T variant in LPL is a nonsense variant predicted to introduce a stop codon at amino acid 30. This variant is expected to result in nonsense mediated decay, truncation, or a dysfunctional protein product. This variant is rare in the general population with a frequency below the threshold expected for the associated phenotype(s). This variant has been observed in one or more individuals affected with the associated recessive disease, as either homozygous or compound heterozygous with a second variant (PMID: 35960041). Given the available evidence, this variant is classified as Pathogenic.

Literature cited by the submitters: PubMed 35960041.